The following is an entry in ClinVar:

ClinVar aggregate classification (germline): Uncertain significance (1 of 4 stars; one submission).

Conditions:
Cardiovascular phenotype. Identifiers: MedGen CN230736.

Submission:

Ambry Genetics
Classification: Uncertain significance for Cardiovascular phenotype. Last evaluated: 2025-03-13. Review status: criteria provided, single submitter. Criteria: Ambry Variant Classification Scheme 2023. Collection method: clinical testing. Allele origin: germline.
Comment: The p.E4373V variant (also known as c.13118A>T), located in coding exon 29 of the APOB gene, results from an A to T substitution at nucleotide position 13118. The glutamic acid at codon 4373 is replaced by valine, an amino acid with dissimilar properties. This amino acid position is conserved. In addition, this alteration is predicted to be tolerated by in silico analysis. Based on the available evidence, the clinical significance of this variant remains unclear.

NM_000384.3(APOB):c.13118A>T (p.Glu4373Val)

Gene: APOB (apolipoprotein B; minus strand). Cytogenetic location: 2p24.1.
Variant type: single nucleotide variant.
Coding change: c.13118A>T on transcript NM_000384.3 (MANE Select); coding-DNA position 13118, A replaced by T.
Protein change: p.Glu4373Val; replaces glutamic acid 4373 with valine.
Molecular consequence: missense variant.
Genome position (GRCh38, 1-based): chr2:21,002,304, T>A on the plus strand (A>T on the coding strand, the complement: APOB is on the minus strand). VCF-style: chr2-21002304-T-A. GRCh37 (hg19) VCF-style: chr2-21225176-T-A.
Other names: short protein forms E4373V.
Identifiers: ClinVar variation 2339382 (VCV002339382.3), dbSNP rs1572774762, ClinGen allele CA345969163.